The following is an entry in ClinVar:

ClinVar aggregate classification (germline): Pathogenic/Likely pathogenic. Review status: criteria provided, multiple submitters, no conflicts (2 of 4 stars). 3 submissions from 3 submitters: Pathogenic (2); Likely pathogenic (1). Last evaluated 2025-03-25.

Conditions:
BRWD3-related disorder. Also called: BRWD3-related condition.

Submissions (3):

GeneDx
Classification: Pathogenic. Last evaluated: 2025-03-25. Review status: criteria provided, single submitter. Criteria: GeneDx Variant Classification Process June 2021. Collection method: clinical testing. Allele origin: germline. Affected: yes.
Comment: Nonsense variant predicted to result in protein truncation or nonsense mediated decay in a gene for which loss of function is a known mechanism of disease; Not observed at significant frequency in large population cohorts (gnomAD); Has not been previously published as pathogenic or benign to our knowledge

Labcorp Genetics (formerly Invitae), Labcorp
Classification: Pathogenic. Last evaluated: 2024-05-25. Review status: criteria provided, single submitter. Criteria: Invitae Variant Classification Sherloc (09022015). Collection method: clinical testing. Allele origin: germline.
Comment: This sequence change creates a premature translational stop signal (p.Arg750*) in the BRWD3 gene. It is expected to result in an absent or disrupted protein product. Loss-of-function variants in BRWD3 are known to be pathogenic (PMID: 17668385, 24462886). This variant is not present in population databases (gnomAD no frequency). This variant has not been reported in the literature in individuals affected with BRWD3-related conditions. For these reasons, this variant has been classified as Pathogenic.

Blueprint Genetics
Classification: Likely pathogenic for BRWD3-related disorders. Last evaluated: 2022-03-30. Review status: criteria provided, single submitter. Criteria: ACMG Guidelines, 2015. Collection method: clinical testing. Allele origin: germline. Affected: yes. Observed: 3 variant alleles.

Literature cited by the submitters: PubMed 17668385 (cited by Labcorp Genetics (formerly Invitae), Labcorp); PubMed 24462886 (cited by Labcorp Genetics (formerly Invitae), Labcorp).

NM_153252.5(BRWD3):c.2248C>T (p.Arg750Ter)

Gene: BRWD3 (bromodomain and WD repeat domain containing 3; minus strand). Cytogenetic location: Xq21.1.
Variant type: single nucleotide variant.
Coding change: c.2248C>T on transcript NM_153252.5 (MANE Select); coding-DNA position 2248, C replaced by T.
Protein change: p.Arg750Ter; replaces arginine 750 with a stop codon.
Molecular consequence: nonsense.
Genome position (GRCh38, 1-based): chrX:80,716,234, G>A on the plus strand (C>T on the coding strand, the complement: BRWD3 is on the minus strand). VCF-style: chrX-80716234-G-A. GRCh37 (hg19) VCF-style: chrX-79971733-G-A.
Other names: c.2248C>T (NM_153252.4); short protein forms R750*.
Identifiers: ClinVar variation 3641921 (VCV003641921.4).